The following is an entry in ClinVar:

NM_015450.3(POT1):c.1731T>G (p.Asp577Glu)

Gene: POT1 (protection of telomeres 1; minus strand). Cytogenetic location: 7q31.33.
Variant type: single nucleotide variant.
Coding change: c.1731T>G on transcript NM_015450.3 (MANE Select); coding-DNA position 1731, T replaced by G.
Protein change: p.Asp577Glu; replaces aspartic acid 577 with glutamic acid.
Molecular consequence: missense variant. On other transcripts: non-coding transcript variant (3).
Genome position (GRCh38, 1-based): chr7:124,825,313, A>C on the plus strand (T>G on the coding strand, the complement: POT1 is on the minus strand). VCF-style: chr7-124825313-A-C. GRCh37 (hg19) VCF-style: chr7-124465367-A-C.
Other names: c.1338T>G, p.Asp446Glu (NM_001042594.2); short protein forms D577E, D446E.
Identifiers: ClinVar variation 4824159 (VCV004824159.1).

ClinVar aggregate classification (germline): Uncertain significance (1 of 4 stars; one submission).

Conditions:
Hereditary cancer-predisposing syndrome. Also called: Neoplastic Syndromes, Hereditary; Hereditary neoplastic syndrome; Tumor predisposition; Hereditary Cancer Syndrome. Identifiers: Orphanet 140162, MedGen C0027672, MeSH D009386, MONDO:0015356.

Submission:

Ambry Genetics
Classification: Uncertain significance for Hereditary cancer-predisposing syndrome. Last evaluated: 2026-01-25. Review status: criteria provided, single submitter. Criteria: Ambry Variant Classification Scheme 2023. Collection method: clinical testing. Allele origin: germline.
Comment: The p.D577E variant (also known as c.1731T>G), located in coding exon 14 of the POT1 gene, results from a T to G substitution at nucleotide position 1731. The aspartic acid at codon 577 is replaced by glutamic acid, an amino acid with highly similar properties. This amino acid position is conserved. In addition, this alteration is predicted to be tolerated by in silico analysis. Based on the available evidence, the clinical significance of this variant remains unclear.